The following is an entry in ClinVar:

ClinVar aggregate classification (germline): Likely benign. Review status: criteria provided, multiple submitters, no conflicts (2 of 4 stars). 3 submissions from 3 submitters: Likely benign (3). Last evaluated 2025-05-13.

Conditions:
Familial isolated arrhythmogenic right ventricular dysplasia. Identifiers: Orphanet 217656, MedGen C4274968, MONDO:0016342.
Cardiomyopathy (CMYO). Also called: Cardiomyopathies. Identifiers: Orphanet 167848, MedGen C0878544, MONDO:0004994, HP:0001638. Inheritance: Various modes of inheritance.
Arrhythmogenic right ventricular dysplasia 11. Also called: Arrhythmogenic right ventricular dysplasia 11 with mild palmoplantar keratoderma and woolly hair; Arrhythmogenic Right Ventricular Dysplasia/Cardiomyopathy11; ARRHYTHMOGENIC RIGHT VENTRICULAR DYSPLASIA, FAMILIAL, 11. Identifiers: MedGen C1864850, MONDO:0012506, OMIM 610476.

Allele frequency attached by ClinVar (database versions not stated): gnomAD exomes 0.00002.

Submissions (3):

Labcorp Genetics (formerly Invitae), Labcorp
Classification: Likely benign for Arrhythmogenic right ventricular dysplasia 11. Last evaluated: 2025-05-13. Review status: criteria provided, single submitter. Criteria: Invitae Variant Classification Sherloc (09022015). Collection method: clinical testing. Allele origin: germline.

All of Us Research Program, National Institutes of Health
Classification: Likely benign for Familial isolated arrhythmogenic right ventricular dysplasia. Last evaluated: 2023-11-30. Review status: criteria provided, single submitter. Criteria: ACMG Guidelines, 2015. Collection method: clinical testing. Allele origin: germline. Inheritance: Autosomal dominant inheritance. Observed: 3 variant alleles, 3 heterozygotes.
Comment: This study involves interpretation of variants in research participants for the purpose of population health screening. Participant phenotype was not available at the time of variant classification. Additional details can be found in publication PMID: 35346344, PMCID: PMC8962531

Color Diagnostics, LLC DBA Color Health
Classification: Likely benign for Cardiomyopathy. Last evaluated: 2019-06-30. Review status: criteria provided, single submitter. Criteria: ACMG Guidelines, 2015. Collection method: clinical testing. Allele origin: germline.

NM_024422.6(DSC2):c.72C>A (p.Ile24=)

Gene: DSC2 (desmocollin 2; minus strand). Cytogenetic location: 18q12.1.
Variant type: single nucleotide variant.
Coding change: c.72C>A on transcript NM_024422.6 (MANE Select); coding-DNA position 72, C replaced by A.
Protein change: p.Ile24=; no amino-acid change (isoleucine 24 retained).
Molecular consequence: synonymous variant.
Genome position (GRCh38, 1-based): chr18:31,093,641, G>T on the plus strand (C>A on the coding strand, the complement: DSC2 is on the minus strand). VCF-style: chr18-31093641-G-T. GRCh37 (hg19) VCF-style: chr18-28673604-G-T.
Other names: c.72C>A, p.Ile24= (NM_004949.5).
Identifiers: ClinVar variation 536287 (VCV000536287.11), dbSNP rs757826575, ClinGen allele CA503391138.